The following is an entry in ClinVar:

NM_000069.3(CACNA1S):c.2491-17C>A

Gene: CACNA1S (calcium voltage-gated channel subunit alpha1 S; minus strand). Cytogenetic location: 1q32.1.
Variant type: single nucleotide variant.
Coding change: c.2491-17C>A on transcript NM_000069.3 (MANE Select); 17 bases into the intron before coding-DNA position 2491, C replaced by A.
Molecular consequence: intron variant.
Genome position (GRCh38, 1-based): chr1:201,069,213, G>T on the plus strand (C>A on the coding strand, the complement: CACNA1S is on the minus strand). VCF-style: chr1-201069213-G-T. GRCh37 (hg19) VCF-style: chr1-201038341-G-T.
Identifiers: ClinVar variation 2627273 (VCV002627273.4), dbSNP rs1183888508, ClinGen allele CA528536665.

ClinVar aggregate classification (germline): Likely benign. Review status: criteria provided, multiple submitters, no conflicts (2 of 4 stars). 2 submissions from 2 submitters: Likely benign (2). Last evaluated 2024-04-06.

Conditions:
Hypokalemic periodic paralysis, type 1. Also called: Hypokalemic Periodic Paralysis Type 1 (AD); HypoPP. Identifiers: Orphanet 681, MedGen C3714580, MONDO:0042979, OMIM 170400.
Malignant hyperthermia, susceptibility to, 5 (MHS5). Also called: CACNA1S-Related Malignant Hyperthermia Susceptibility. Identifiers: Orphanet 423, MedGen C1866077, MONDO:0011163, OMIM 601887.

Allele frequency attached by ClinVar (database versions not stated): TOPMed below 0.00001; gnomAD 0.00001.
gnomAD v4.1: 18 of 1,612,954 alleles (0.0011%); highest among the groups gnomAD compares: Non-Finnish European, 0.0015%; no homozygotes.

Submissions (2):

Labcorp Genetics (formerly Invitae), Labcorp
Classification: Likely benign for Hypokalemic periodic paralysis, type 1; Malignant hyperthermia, susceptibility to, 5. Last evaluated: 2024-04-06. Review status: criteria provided, single submitter. Criteria: Invitae Variant Classification Sherloc (09022015). Collection method: clinical testing. Allele origin: germline.

Women's Health and Genetics/Laboratory Corporation of America, LabCorp
Classification: Likely benign. Last evaluated: 2023-09-19. Review status: criteria provided, single submitter. Criteria: LabCorp Variant Classification Summary - May 2015. Collection method: clinical testing. Allele origin: germline.
Comment: Variant summary: CACNA1S c.2491-17C>A alters a non-conserved nucleotide located at a position not widely known to affect splicing. Consensus agreement among computation tools predict no significant impact on normal splicing. However, these predictions have yet to be confirmed by functional studies. The variant was absent in 250120 control chromosomes. The available data on variant occurrences in the general population are insufficient to allow any conclusion about variant significance. To our knowledge, no occurrence of c.2491-17C>A in individuals affected with Hypokalemic Periodic Paralysis and no experimental evidence demonstrating its impact on protein function have been reported. No submitters have cited clinical-significance assessments for this variant to ClinVar after 2014. Based on the evidence outlined above, the variant was classified as likely benign.